The following is an entry in ClinVar:

NM_001165963.4(SCN1A):c.4002+2372C>T

Genes: SCN1A (sodium voltage-gated channel alpha subunit 1; minus strand), LOC102724058 (uncharacterized LOC102724058; plus strand). Cytogenetic location: 2q24.3.
Variant type: single nucleotide variant.
Coding change: c.4002+2372C>T on transcript NM_001165963.4 (MANE Select); 2372 bases into the intron after coding-DNA position 4002, C replaced by T.
Molecular consequence: intron variant.
Genome position (GRCh38, 1-based): chr2:166,007,347, G>A on the plus strand (C>T on the coding strand, the complement: SCN1A is on the minus strand). VCF-style: chr2-166007347-G-A. GRCh37 (hg19) VCF-style: chr2-166863857-G-A.
Other names: c.3969+2372C>T (NM_001353949.2, NM_001353950.2, NM_001353951.2 and 2 more transcripts); c.3918+2372C>T (NM_001353958.2, NM_001353957.2, NM_001165964.3); c.4002+2372C>T (NM_001202435.3, NM_001353948.2); c.3966+2372C>T (NM_001353955.2, NM_001353954.2); c.3915+2372C>T (NM_001353960.2); c.1560+2372C>T (NM_001353961.2).
Identifiers: ClinVar variation 1636845 (VCV001636845.9), dbSNP rs996059069, ClinGen allele CA59771589.
Genomic context (GRCh38, chr2:166,007,347, plus strand): 5'-GATTATCCTATACAAAATAGAAATATATAGTTTGTTATTAGTTAGAAATCTGATATGACA[G>A]AACATTTGGTGTTACTTTTTGTTCATGATGCTCTCCGTCTGTTTCCCTATCCATTAAGAC-3'

ClinVar aggregate classification (germline): Uncertain significance (1 of 4 stars; one submission).

Conditions:
Early-infantile DEE. Also called: Early infantile epileptic encephalopathy; Early infantile epileptic encephalopathy with suppression bursts; Ohtahara syndrome. Identifiers: Orphanet 1934, MedGen C0393706, MONDO:0800491.

Allele frequency attached by ClinVar (database versions not stated): gnomAD 0.00003 and 0.00004; TOPMed 0.00009.
gnomAD v4.1: 5 of 151,166 alleles (0.0033%); highest among the groups gnomAD compares: Admixed American, 0.033%; no homozygotes.

Submission:

Labcorp Genetics (formerly Invitae), Labcorp
Classification: Uncertain significance for Early-infantile DEE. Last evaluated: 2024-10-01. Review status: criteria provided, single submitter. Criteria: Invitae Variant Classification Sherloc (09022015). Collection method: clinical testing. Allele origin: germline.
Comment: This sequence change falls in intron 20 of the SCN1A gene. It does not directly change the encoded amino acid sequence of the SCN1A protein. However, this sequence change falls within a region encompassing a cryptic exon in the SCN1A gene, in which variants have been shown to alter splicing (PMID: 30526861, 34107977). This variant is not present in population databases (gnomAD no frequency). This variant has been observed in individual(s) with clinical features of developmental and epileptic encephalopathy (internal data). ClinVar contains an entry for this variant (Variation ID: 1636845). Algorithms developed to predict the effect of sequence changes on RNA splicing suggest that this variant is not likely to affect RNA splicing. In summary, the available evidence is currently insufficient to determine the role of this variant in disease. Therefore, it has been classified as a Variant of Uncertain Significance.

Literature cited by the submitters: PubMed 30526861; PubMed 34107977.